The following is an entry in ClinVar:

ClinVar aggregate classification (germline): Uncertain significance (1 of 4 stars; one submission).

Conditions:
Developmental and epileptic encephalopathy. Identifiers: MedGen C5779964, MONDO:0100620.

Allele frequency attached by ClinVar (database versions not stated): gnomAD exomes below 0.00001.
gnomAD v4.1: 2 of 1,613,370 alleles (0.00012%); highest among the groups gnomAD compares: Non-Finnish European, 0.00017%; no homozygotes.

Submission:

Labcorp Genetics (formerly Invitae), Labcorp
Classification: Uncertain significance for Early infantile epileptic encephalopathy with suppression bursts. Last evaluated: 2019-05-15. Review status: criteria provided, single submitter. Criteria: Invitae Variant Classification Sherloc (09022015). Collection method: clinical testing. Allele origin: germline.
Comment: This sequence change replaces asparagine with serine at codon 546 of the CACNA2D2 protein (p.Asn546Ser). The asparagine residue is highly conserved and there is a small physicochemical difference between asparagine and serine. This variant is not present in population databases (ExAC no frequency). This variant has not been reported in the literature in individuals with CACNA2D2-related conditions. Algorithms developed to predict the effect of missense changes on protein structure and function are either unavailable or do not agree on the potential impact of this missense change (SIFT: "Deleterious"; PolyPhen-2: "Probably Damaging"; Align-GVGD: "Class C0"). In summary, the available evidence is currently insufficient to determine the role of this variant in disease. Therefore, it has been classified as a Variant of Uncertain Significance.

NM_006030.4(CACNA2D2):c.1637A>G (p.Asn546Ser)

Gene: CACNA2D2 (calcium voltage-gated channel auxiliary subunit alpha2delta 2; minus strand). Cytogenetic location: 3p21.31.
Variant type: single nucleotide variant.
Coding change: c.1637A>G on transcript NM_006030.4 (MANE Select); coding-DNA position 1637, A replaced by G.
Protein change: p.Asn546Ser; replaces asparagine 546 with serine.
Molecular consequence: missense variant.
Genome position (GRCh38, 1-based): chr3:50,376,178, T>C on the plus strand (A>G on the coding strand, the complement: CACNA2D2 is on the minus strand). VCF-style: chr3-50376178-T-C. GRCh37 (hg19) VCF-style: chr3-50413609-T-C.
Other names: c.1637A>G, p.Asn546Ser (NM_001005505.3, NM_001174051.3); c.1430A>G, p.Asn477Ser (NM_001291101.1); short protein forms N477S, N546S.
Identifiers: ClinVar variation 947063 (VCV000947063.2), dbSNP rs374732236, ClinGen allele CA74613414.